The following is an entry in ClinVar:

NM_000052.7(ATP7A):c.2467del (p.Ile822_Val823insTer)

Gene: ATP7A (ATPase copper transporting alpha; plus strand). Cytogenetic location: Xq21.1.
Variant type: Deletion.
Coding change: c.2467del on transcript NM_000052.7 (MANE Select); coding-DNA position 2467, one base deleted (G; older notation c.2467delG).
Protein change: p.Ile822_Val823insTer.
Molecular consequence: nonsense.
Genome position (GRCh38, 1-based): chrX:78,014,722, G deleted. VCF-style (leftmost placement, unchanged base first): chrX-78014721-TG-T. GRCh37 (hg19) VCF-style: chrX-77270218-TG-T.
Other names: c.2233del, p.Ile744_Val745insTer (NM_001282224.2).
Identifiers: ClinVar variation 571199 (VCV000571199.1), dbSNP rs1569549974, ClinGen allele CA891844258.

ClinVar aggregate classification (germline): Pathogenic (1 of 4 stars; one submission).

Conditions:
Menkes kinky-hair syndrome (MNK). Also called: Menkes Disease; Copper transport disease; Classic Menkes Disease. Identifiers: Orphanet 565, MedGen C0022716, MONDO:0010651, OMIM 309400.
Cutis laxa, X-linked (OHS). Also called: EDS IX; Occipital horn syndrome. Identifiers: Orphanet 198, MedGen C0268353, MONDO:0010572, OMIM 304150.
X-linked distal spinal muscular atrophy type 3. Also called: ATP7A-Related Distal Motor Neuropathy; NEURONOPATHY, DISTAL HEREDITARY MOTOR, X-LINKED; NEUROPATHY, DISTAL HEREDITARY MOTOR, X-LINKED; SPINAL MUSCULAR ATROPHY, DISTAL, X-LINKED RECESSIVE. Identifiers: Orphanet 139557, MedGen C1845359, MONDO:0010338, OMIM 300489.

Submission:

Labcorp Genetics (formerly Invitae), Labcorp
Classification: Pathogenic for Distal spinal muscular atrophy, X-linked 3; Cutis laxa, X-linked; Menkes kinky-hair syndrome. Last evaluated: 2018-06-14. Review status: criteria provided, single submitter. Criteria: Invitae Variant Classification Sherloc (09022015). Collection method: clinical testing. Allele origin: germline.
Comment: This sequence change creates a premature translational stop signal (p.Val823*) in the ATP7A gene. It is expected to result in an absent or disrupted protein product. This variant is not present in population databases (ExAC no frequency). This variant has not been reported in the literature in individuals with ATP7A-related disease. Loss-of-function variants in ATP7A are known to be pathogenic (PMID: 11241493, 20652413). For these reasons, this variant has been classified as Pathogenic.